The following is an entry in ClinVar:

ClinVar aggregate classification (germline): Conflicting classifications of pathogenicity. Review status: criteria provided, conflicting classifications (1 of 4 stars). 6 submissions from 5 submitters: Uncertain significance (3); Likely benign (3). Last evaluated 2025-11-16.

Conditions:
Autosomal recessive nonsyndromic hearing loss 12. Also called: DEAFNESS, AUTOSOMAL RECESSIVE 12. Identifiers: Orphanet 90636, MedGen C1832394, MONDO:0011067, OMIM 601386.
Usher syndrome type 1D (USH1D). Also called: USHER SYNDROME, TYPE ID. Identifiers: Orphanet 231169, Orphanet 886, MedGen C1832845, MONDO:0010984, OMIM 601067.

Allele frequency attached by ClinVar (database versions not stated): ESP Exome Variant Server 0.00016; TOPMed 0.00018; gnomAD 0.00006.
gnomAD v4.1: 65 of 1,613,842 alleles (0.004%); highest among the groups gnomAD compares: East Asian, 0.076%; no homozygotes.

Submissions (6):

Labcorp Genetics (formerly Invitae), Labcorp
Classification: Likely benign. Last evaluated: 2025-11-16. Review status: criteria provided, single submitter. Criteria: Invitae Variant Classification Sherloc (09022015). Collection method: clinical testing. Allele origin: germline.

Blueprint Genetics
Classification: Likely benign. Last evaluated: 2024-04-25. Review status: criteria provided, single submitter. Criteria: ACMG Guidelines, 2015. Collection method: clinical testing. Allele origin: germline.

GeneDx
Classification: Likely benign. Last evaluated: 2018-05-23. Review status: criteria provided, single submitter. Criteria: GeneDx Variant Classification (06012015). Collection method: clinical testing. Allele origin: germline. Affected: yes.
Comment: This variant is considered likely benign or benign based on one or more of the following criteria: it is a conservative change, it occurs at a poorly conserved position in the protein, it is predicted to be benign by multiple in silico algorithms, and/or has population frequency not consistent with disease.

Illumina Laboratory Services, Illumina
Classification: Uncertain significance for Autosomal recessive nonsyndromic hearing loss 12. Last evaluated: 2018-01-12. Review status: criteria provided, single submitter. Criteria: ICSL Variant Classification Criteria 13 December 2019. Collection method: clinical testing. Allele origin: germline.

Illumina Laboratory Services, Illumina
Classification: Uncertain significance for Usher syndrome type 1D. Last evaluated: 2018-01-12. Review status: criteria provided, single submitter. Criteria: ICSL Variant Classification Criteria 13 December 2019. Collection method: clinical testing. Allele origin: germline.

Eurofins Ntd Llc (ga)
Classification: Uncertain significance. Last evaluated: 2015-11-11. Review status: criteria provided, single submitter. Criteria: EGL Classification Definitions 2015. Collection method: clinical testing. Allele origin: germline. Observed: 1 variant allele, 1 heterozygote.

NM_022124.6(CDH23):c.3852G>A (p.Ser1284=)

Genes: C10orf105 (chromosome 10 open reading frame 105; minus strand), CDH23 (cadherin related 23; plus strand). Cytogenetic location: 10q22.1.
Variant type: single nucleotide variant.
Coding change: c.3852G>A on transcript NM_022124.6 (MANE Select); coding-DNA position 3852, G replaced by A.
Protein change: p.Ser1284=; no amino-acid change (serine 1284 retained).
Molecular consequence: synonymous variant. On other transcripts: intron variant (1).
Genome position (GRCh38, 1-based): chr10:71,732,123, G>A. VCF-style: chr10-71732123-G-A. GRCh37 (hg19) VCF-style: chr10-73491880-G-A.
Other names: c.3852G>A, p.Ser1284= (NM_001171930.2); c.-6+5605C>T (NM_001168390.2).
Identifiers: ClinVar variation 284543 (VCV000284543.22), dbSNP rs372172457, ClinGen allele CA5544856.